The following is an entry in ClinVar:

ClinVar aggregate classification (germline): Uncertain significance. Review status: criteria provided, multiple submitters, no conflicts (2 of 4 stars). 2 submissions from 2 submitters: Uncertain significance (2). Last evaluated 2025-07-16.

Conditions:
Hereditary cancer-predisposing syndrome. Also called: Hereditary Cancer Syndrome; Neoplastic Syndromes, Hereditary; Hereditary neoplastic syndrome; Tumor predisposition. Identifiers: Orphanet 140162, MedGen C0027672, MeSH D009386, MONDO:0015356.
Hereditary nonpolyposis colorectal neoplasms. Identifiers: MedGen C0009405, MeSH D003123.

Submissions (2):

Ambry Genetics
Classification: Uncertain significance for Hereditary cancer-predisposing syndrome. Last evaluated: 2025-07-16. Review status: criteria provided, single submitter. Criteria: Ambry Variant Classification Scheme 2023. Collection method: clinical testing. Allele origin: germline.
Comment: The p.G430E variant (also known as c.1289G>A), located in coding exon 4 of the MSH6 gene, results from a G to A substitution at nucleotide position 1289. The glycine at codon 430 is replaced by glutamic acid, an amino acid with similar properties. One study found that codon 430, which occurs in the mismatch binding domain of the MSH6 protein, forms a nonspecific interaction with one nucleotide of a mismatched pair during simulations, however the authors did not study the effect of amino acid substitutions on this interaction (Sharma, M et al. Biophys J. 2014 Jun 3;106(11):2483-92). This amino acid position is highly conserved in available vertebrate species. In addition, this alteration is predicted to be deleterious by in silico analysis. Based on the available evidence, the clinical significance of this variant remains unclear.

Labcorp Genetics (formerly Invitae), Labcorp
Classification: Uncertain significance for Hereditary nonpolyposis colorectal neoplasms. Last evaluated: 2022-09-04. Review status: criteria provided, single submitter. Criteria: Invitae Variant Classification Sherloc (09022015). Collection method: clinical testing. Allele origin: germline.
Comment: This sequence change replaces glycine, which is neutral and non-polar, with glutamic acid, which is acidic and polar, at codon 430 of the MSH6 protein (p.Gly430Glu). This variant is not present in population databases (gnomAD no frequency). This variant has not been reported in the literature in individuals affected with MSH6-related conditions. ClinVar contains an entry for this variant (Variation ID: 428381). Advanced modeling of protein sequence and biophysical properties (such as structural, functional, and spatial information, amino acid conservation, physicochemical variation, residue mobility, and thermodynamic stability) performed at Invitae indicates that this missense variant is expected to disrupt MSH6 protein function. In summary, the available evidence is currently insufficient to determine the role of this variant in disease. Therefore, it has been classified as a Variant of Uncertain Significance.

NM_000179.3(MSH6):c.1289G>A (p.Gly430Glu)

Gene: MSH6 (mutS homolog 6; plus strand). Cytogenetic location: 2p16.3.
Variant type: single nucleotide variant.
Coding change: c.1289G>A on transcript NM_000179.3 (MANE Select); coding-DNA position 1289, G replaced by A.
Protein change: p.Gly430Glu; replaces glycine 430 with glutamic acid.
Molecular consequence: missense variant.
Genome position (GRCh38, 1-based): chr2:47,799,272, G>A. VCF-style: chr2-47799272-G-A. GRCh37 (hg19) VCF-style: chr2-48026411-G-A.
Other names: c.899G>A, p.Gly300Glu (NM_001281492.2); c.383G>A, p.Gly128Glu (NM_001281493.2, NM_001281494.2); short protein forms G430E, G128E, G300E.
Identifiers: ClinVar variation 428381 (VCV000428381.14), dbSNP rs1114167737, ClinGen allele CA346744168.
Genomic context (GRCh38, chr2:47,799,272, plus strand): 5'-TGAGGAAGTGGTGGCAGATTAAGTCTCAGAACTTTGATCTTGTCATCTGTTACAAGGTGG[G>A]GAAATTTTATGAGCTGTACCACATGGATGCTCTTATTGGAGTCAGTGAACTGGGGCTGGT-3'
Protein context (NP_000170.1, residues 420-440): NFDLVICYKV[Gly430Glu]KFYELYHMDA